The following is an entry in ClinVar:

ClinVar aggregate classification (germline): Uncertain significance (1 of 4 stars; one submission).

Conditions:
Familial adenomatous polyposis 1 (FAP1). Also called: FAMILIAL ADENOMATOUS POLYPOSIS 1, ATTENUATED; POLYPOSIS, ADENOMATOUS INTESTINAL. Identifiers: MedGen C2713442, MONDO:0021056, OMIM 175100. Disease mechanism: loss of function.

Submission:

Labcorp Genetics (formerly Invitae), Labcorp
Classification: Uncertain significance for Familial adenomatous polyposis 1. Last evaluated: 2022-11-06. Review status: criteria provided, single submitter. Criteria: Invitae Variant Classification Sherloc (09022015). Collection method: clinical testing. Allele origin: germline.
Comment: In summary, the available evidence is currently insufficient to determine the role of this variant in disease. Therefore, it has been classified as a Variant of Uncertain Significance. Experimental studies and prediction algorithms are not available or were not evaluated, and the functional significance of this variant is currently unknown. This variant has not been reported in the literature in individuals affected with APC-related conditions. This variant is not present in population databases (gnomAD no frequency). This variant occurs in a non-coding region of the APC gene. It does not change the encoded amino acid sequence of the APC protein.

NC_000005.10:g.112707410G>T

Gene: APC (APC regulator of Wnt signaling pathway; plus strand). Cytogenetic location: 5q22.2.
Variant type: single nucleotide variant.
Genome position: GRCh38 VCF-style: chr5-112707410-G-T. GRCh37 (hg19) VCF-style: chr5-112043107-G-T.
Identifiers: ClinVar variation 2786929 (VCV002786929.3), dbSNP rs896715004, ClinGen allele CA2739274966.